The following is an entry in ClinVar:

ClinVar aggregate classification (germline): Uncertain significance (1 of 4 stars; one submission).

Submission:

GeneDx
Classification: Uncertain significance. Last evaluated: 2026-03-15. Review status: criteria provided, single submitter. Criteria: GeneDx Variant Classification Process June 2021. Collection method: clinical testing. Allele origin: germline.
Comment: Not observed at significant frequency in large population cohorts (gnomAD); Canonical splice site variant in a gene or region of a gene for which loss of function is not a well-established mechanism of disease; Has not been previously published as pathogenic or benign to our knowledge

NM_020686.6(ABAT):c.604-2A>G

Gene: ABAT (4-aminobutyrate aminotransferase; plus strand). Cytogenetic location: 16p13.2.
Variant type: single nucleotide variant.
Coding change: c.604-2A>G on transcript NM_020686.6 (MANE Select); the canonical splice acceptor site of the intron before coding-DNA position 604, A replaced by G.
Molecular consequence: splice acceptor variant.
Genome position (GRCh38, 1-based): chr16:8,768,191, A>G. VCF-style: chr16-8768191-A-G. GRCh37 (hg19) VCF-style: chr16-8862048-A-G.
Other names: c.358-2A>G (NM_001386614.1); c.469-2A>G (NM_001386611.1, NM_001386610.1); c.406-2A>G (NM_001386612.1, NM_001386613.1); c.604-2A>G (NM_001386603.1, NM_001386600.1, NM_001386604.1 and 7 more transcripts); c.541-2A>G (NM_001386606.1, NM_001386607.1); c.511-2A>G (NM_001386608.1); c.700-2A>G (NM_001386615.1).
Identifiers: ClinVar variation 5009253 (VCV005009253.1).